The following is an entry in ClinVar:

Conditions:
Breast-ovarian cancer, familial, susceptibility to, 1 (BROVCA1). Also called: BRCA1 Hereditary Breast and Ovarian Cancer; OVARIAN CANCER, SUSCEPTIBILITY TO. Identifiers: Orphanet 145, MedGen C2676676, MONDO:0011450, OMIM 604370. Disease mechanism: loss of function.

Submission:

Brotman Baty Institute, University of Washington
No classification provided (evidence only). Condition: Breast-ovarian cancer, familial 1. Review status: no classification provided. Collection method: in vitro. Allele origin: not applicable. Functional consequence: functionally_normal.
ClinVar note: "not provided" was previously submitted as the classification for the variant. However, the classification appeared to be based only on an observation of functional data so it was converted to no classification on 2025-07-30.

NM_007294.4(BRCA1):c.5193+15T>G

Gene: BRCA1 (BRCA1 DNA repair associated; minus strand). Cytogenetic location: 17q21.31.
Variant type: single nucleotide variant.
Coding change: c.5193+15T>G on transcript NM_007294.4 (MANE Select); 15 bases into the intron after coding-DNA position 5193, T replaced by G.
Molecular consequence: intron variant.
Genome position (GRCh38, 1-based): chr17:43,063,318, A>C on the plus strand (T>G on the coding strand, the complement: BRCA1 is on the minus strand). VCF-style: chr17-43063318-A-C. GRCh37 (hg19) VCF-style: chr17-41215335-A-C.
Other names: c.1740+15T>G (NM_001408458.1, NM_001408461.1, NM_001408464.1 and 7 more transcripts); c.4302+15T>G (NM_001407967.1); c.4812+15T>G (NM_001407959.1); c.4926+15T>G (NM_001407931.1, NM_001407932.1, NM_001407928.1 and 4 more transcripts); c.5049+15T>G (NM_001407747.1, NM_001407745.1, NM_001407737.1 and 21 more transcripts); c.4809+15T>G (NM_001407962.1, NM_001407960.1); c.1380+15T>G (NM_001408512.1); c.1503+15T>G (NM_001408510.1); and 72 more.
Identifiers: ClinVar variation 865120 (VCV000865120.3), dbSNP rs2051850619, ClinGen allele CA916080011.